The following is an entry in ClinVar:

NM_019098.5(CNGB3):c.1652_1655del (p.Val551fs)

Gene: CNGB3 (cyclic nucleotide gated channel subunit beta 3; minus strand). Cytogenetic location: 8q21.3.
Variant type: Deletion.
Coding change: c.1652_1655del on transcript NM_019098.5 (MANE Select); coding-DNA positions 1652 to 1655, 4 bases deleted (TCTG; older notation c.1652_1655delTCTG).
Protein change: p.Val551fs; shifts the reading frame from valine 551.
Molecular consequence: frameshift variant.
Genome position (GRCh38, 1-based): chr8:86,611,595-86,611,598, CAGA deleted on the plus strand (TCTG on the coding strand, the reverse complement: CNGB3 is on the minus strand); deleting any 4 consecutive bases within chr8:86,611,595-86,611,600 gives the same sequence; the c. name uses the placement nearest the transcript's 3' end. VCF-style (leftmost placement, unchanged base first): chr8-86611594-GCAGA-G. GRCh37 (hg19) VCF-style: chr8-87623822-GCAGA-G.
Other names: short protein forms V551fs.
Identifiers: ClinVar variation 2009630 (VCV002009630.4), dbSNP rs2538064471, ClinGen allele CA2580078986.
Genomic context (GRCh38, chr8:86,611,594, plus strand): 5'-GAAATCCTCAAATGCATTTATTAGTTGTGCATTTGAAAAATAGCATGCACTCACCTTTTT[GCAGA>G]CAAAGTCACCAGGCAAATAGAGAACGGATTTCAATCTTAGCAACATGTCATAAATCATCT-3'

ClinVar aggregate classification (germline): Pathogenic (1 of 4 stars; one submission).

Submission:

Labcorp Genetics (formerly Invitae), Labcorp
Classification: Pathogenic. Last evaluated: 2022-06-23. Review status: criteria provided, single submitter. Criteria: Invitae Variant Classification Sherloc (09022015). Collection method: clinical testing. Allele origin: germline.
Comment: For these reasons, this variant has been classified as Pathogenic. This variant has not been reported in the literature in individuals affected with CNGB3-related conditions. This variant is not present in population databases (gnomAD no frequency). This sequence change creates a premature translational stop signal (p.Val551Alafs*33) in the CNGB3 gene. It is expected to result in an absent or disrupted protein product. Loss-of-function variants in CNGB3 are known to be pathogenic (PMID: 28795510).

Literature cited by the submitters: PubMed 28795510.